The following is an entry in ClinVar:

ClinVar aggregate classification (germline): Uncertain significance (1 of 4 stars; one submission).

Conditions:
LAMA2-related muscular dystrophy (LAMA2-RD). Also called: Laminin alpha 2-related dystrophy. Identifiers: MedGen C5679788, MONDO:0100228.

Allele frequency attached by ClinVar (database versions not stated): TOPMed 0.00001.
gnomAD v4.1: 5 of 1,613,134 alleles (0.00031%); highest among the groups gnomAD compares: Non-Finnish European, 0.00042%; no homozygotes.

Submission:

Labcorp Genetics (formerly Invitae), Labcorp
Classification: Uncertain significance for LAMA2-related muscular dystrophy. Last evaluated: 2021-08-28. Review status: criteria provided, single submitter. Criteria: Invitae Variant Classification Sherloc (09022015). Collection method: clinical testing. Allele origin: germline.
Comment: This sequence change replaces arginine with proline at codon 826 of the LAMA2 protein (p.Arg826Pro). The arginine residue is weakly conserved and there is a moderate physicochemical difference between arginine and proline. This variant is not present in population databases (ExAC no frequency). This variant has not been reported in the literature in individuals affected with LAMA2-related conditions. Algorithms developed to predict the effect of missense changes on protein structure and function output the following: SIFT: "Tolerated"; PolyPhen-2: "Benign"; Align-GVGD: "Class C0". The proline amino acid residue is found in multiple mammalian species, which suggests that this missense change does not adversely affect protein function. In summary, the available evidence is currently insufficient to determine the role of this variant in disease. Therefore, it has been classified as a Variant of Uncertain Significance.

NM_000426.4(LAMA2):c.2477G>C (p.Arg826Pro)

Gene: LAMA2 (laminin subunit alpha 2; plus strand). Cytogenetic location: 6q22.33.
Variant type: single nucleotide variant.
Coding change: c.2477G>C on transcript NM_000426.4 (MANE Select); coding-DNA position 2477, G replaced by C.
Protein change: p.Arg826Pro; replaces arginine 826 with proline.
Molecular consequence: missense variant.
Genome position (GRCh38, 1-based): chr6:129,280,087, G>C. VCF-style: chr6-129280087-G-C. GRCh37 (hg19) VCF-style: chr6-129601232-G-C.
Other names: c.2477G>C, p.Arg826Pro (NM_001079823.2); short protein forms R826P.
Identifiers: ClinVar variation 1044079 (VCV001044079.6), dbSNP rs759973830, ClinGen allele CA365609326.